The following is an entry in ClinVar:

NM_001134363.3(RBM20):c.2007G>C (p.Trp669Cys)

Gene: RBM20 (RNA binding motif protein 20; plus strand). Cytogenetic location: 10q25.2.
Variant type: single nucleotide variant.
Coding change: c.2007G>C on transcript NM_001134363.3 (MANE Select); coding-DNA position 2007, G replaced by C.
Protein change: p.Trp669Cys; replaces tryptophan 669 with cysteine.
Molecular consequence: missense variant.
Genome position (GRCh38, 1-based): chr10:110,812,404, G>C. VCF-style: chr10-110812404-G-C. GRCh37 (hg19) VCF-style: chr10-112572162-G-C.
Other names: short protein forms W669C.
Identifiers: ClinVar variation 5037629 (VCV005037629.1).

ClinVar aggregate classification (germline): Uncertain significance (1 of 4 stars; one submission).

gnomAD v4.1: 2 of 1,551,690 alleles (0.00013%); highest among the groups gnomAD compares: Non-Finnish European, 0.00017%; no homozygotes.

Submission:

GeneDx
Classification: Uncertain significance. Last evaluated: 2026-04-23. Review status: criteria provided, single submitter. Criteria: GeneDx Variant Classification Process June 2021. Collection method: clinical testing. Allele origin: germline.
Comment: Not observed at significant frequency in large population cohorts (gnomAD); In silico analysis supports that this missense variant has a deleterious effect on protein structure/function; Has not been previously published as pathogenic or benign to our knowledge